The following is an entry in ClinVar:

NM_152564.5(VPS13B):c.11435G>A (p.Arg3812His)

Gene: VPS13B (vacuolar protein sorting 13 homolog B; plus strand). Cytogenetic location: 8q22.2.
Variant type: single nucleotide variant.
Coding change: c.11435G>A on transcript NM_152564.5 (MANE Select); coding-DNA position 11435, G replaced by A.
Protein change: p.Arg3812His; replaces arginine 3812 with histidine.
Molecular consequence: missense variant.
Genome position (GRCh38, 1-based): chr8:99,870,827, G>A. VCF-style: chr8-99870827-G-A. GRCh37 (hg19) VCF-style: chr8-100883055-G-A.
Other names: p.Arg3837His; c.11435G>A (NM_152564.4); c.11510G>A (NM_017890.3); c.11510G>A, p.Arg3837His (NM_017890.5); short protein forms R3812H, R3837H.
Identifiers: ClinVar variation 967383 (VCV000967383.10), dbSNP rs529932207, ClinGen allele CA4825241.

ClinVar aggregate classification (germline): Uncertain significance. Review status: criteria provided, multiple submitters, no conflicts (2 of 4 stars). 5 submissions from 5 submitters: Uncertain significance (3). 2 of the submissions do not count toward it. Last evaluated 2023-06-15.

Conditions:
Cohen syndrome (COH1). Also called: Cutis verticis gyrata, retinitis pigmentosa, and sensorineural deafness; PEPPER SYNDROME. Identifiers: Orphanet 193, MedGen C0265223, MONDO:0008999, OMIM 216550.
VPS13B-related disorder. Also called: VPS13B-related condition.
Inborn genetic diseases. Identifiers: MedGen C0950123, MeSH D030342.

Allele frequency attached by ClinVar (database versions not stated): gnomAD 0.00001 and 0.00002; gnomAD exomes 0.00004 and 0.00006; TOPMed 0.00004; ExAC 0.00007; 1000 Genomes Project 0.00020; 1000 Genomes Project 30x 0.00031.
gnomAD v4.1: 59 of 1,614,102 alleles (0.0037%); highest among the groups gnomAD compares: Admixed American, 0.017%; no homozygotes.

Submissions (5):

Ambry Genetics
Classification: Uncertain significance for Inborn genetic diseases. Last evaluated: 2023-06-15. Review status: criteria provided, single submitter. Criteria: Ambry Variant Classification Scheme 2023. Collection method: clinical testing. Allele origin: germline.

Mayo Clinic Laboratories, Mayo Clinic
Classification: Uncertain significance. Last evaluated: 2023-01-16. Review status: criteria provided, single submitter. Criteria: ACMG Guidelines, 2015. Collection method: clinical testing. Allele origin: germline. Observed: 1 variant allele.
Comment: BP1

Labcorp Genetics (formerly Invitae), Labcorp
Classification: Uncertain significance for Cohen syndrome. Last evaluated: 2022-07-18. Review status: criteria provided, single submitter. Criteria: Invitae Variant Classification Sherloc (09022015). Collection method: clinical testing. Allele origin: germline.
Comment: This sequence change replaces arginine, which is basic and polar, with histidine, which is basic and polar, at codon 3837 of the VPS13B protein (p.Arg3837His). This variant is present in population databases (rs529932207, gnomAD 0.03%). This variant has not been reported in the literature in individuals affected with VPS13B-related conditions. ClinVar contains an entry for this variant (Variation ID: 967383). Algorithms developed to predict the effect of missense changes on protein structure and function are either unavailable or do not agree on the potential impact of this missense change (SIFT: "Not Available"; PolyPhen-2: "Possibly Damaging"; Align-GVGD: "Not Available"). In summary, the available evidence is currently insufficient to determine the role of this variant in disease. Therefore, it has been classified as a Variant of Uncertain Significance.

PreventionGenetics, part of Exact Sciences
Classification: Uncertain significance for VPS13B-related condition. Last evaluated: 2023-11-22. Review status: no assertion criteria provided. Collection method: clinical testing. Allele origin: germline. Not counted in ClinVar's aggregate classification.
Comment: The VPS13B c.11435G>A variant is predicted to result in the amino acid substitution p.Arg3812His. To our knowledge, this variant has not been reported in the literature. This variant is reported in 0.026% of alleles in individuals of Latino descent in gnomAD. At this time, the clinical significance of this variant is uncertain due to the absence of conclusive functional and genetic evidence.

Natera, Inc.
Classification: Uncertain significance for Cohen syndrome. Last evaluated: 2020-04-02. Review status: no assertion criteria provided. Collection method: clinical testing. Allele origin: germline. Not counted in ClinVar's aggregate classification.